The following is an entry in ClinVar:

ClinVar aggregate classification (germline): Uncertain significance (1 of 4 stars; one submission).

Conditions:
Long QT syndrome (LQTS). Identifiers: MedGen C0023976, MeSH D008133, MONDO:0002442. Disease mechanism: loss of function. Inheritance: Various modes of inheritance.

Submission:

Labcorp Genetics (formerly Invitae), Labcorp
Classification: Uncertain significance for Long QT syndrome. Last evaluated: 2021-10-16. Review status: criteria provided, single submitter. Criteria: Invitae Variant Classification Sherloc (09022015). Collection method: clinical testing. Allele origin: germline.
Comment: This sequence change replaces glycine with aspartic acid at codon 352 of the SNTA1 protein (p.Gly352Asp). The glycine residue is highly conserved and there is a moderate physicochemical difference between glycine and aspartic acid. This variant is not present in population databases (ExAC no frequency). This variant has not been reported in the literature in individuals affected with SNTA1-related conditions. Algorithms developed to predict the effect of missense changes on protein structure and function are either unavailable or do not agree on the potential impact of this missense change (SIFT: "Deleterious"; PolyPhen-2: "Probably Damaging"; Align-GVGD: "Class C15"). In summary, the available evidence is currently insufficient to determine the role of this variant in disease. Therefore, it has been classified as a Variant of Uncertain Significance.

NM_003098.3(SNTA1):c.1055G>A (p.Gly352Asp)

Gene: SNTA1 (syntrophin alpha 1; minus strand). Cytogenetic location: 20q11.21.
Variant type: single nucleotide variant.
Coding change: c.1055G>A on transcript NM_003098.3 (MANE Select); coding-DNA position 1055, G replaced by A.
Protein change: p.Gly352Asp; replaces glycine 352 with aspartic acid.
Molecular consequence: missense variant.
Genome position (GRCh38, 1-based): chr20:33,410,317, C>T on the plus strand (G>A on the coding strand, the complement: SNTA1 is on the minus strand). VCF-style: chr20-33410317-C-T. GRCh37 (hg19) VCF-style: chr20-31998123-C-T.
Other names: short protein forms G352D.
Identifiers: ClinVar variation 1463590 (VCV001463590.6), dbSNP rs2146757905, ClinGen allele CA408630842.
Genomic context (GRCh38, chr20:33,410,317, plus strand): 5'-GTGCCCGTGCGCAGGGCAAAAGAGAGCTCTGCATCGTAGGGCACTGAGCCCTTGGAGGGG[C>T]CTGAGTGCACCAGTCTGGGGGTTGGGGGCAGAGGGCTGAGCATGAGGCCTCAGGCCGGAG-3'
Protein context (NP_003089.1, residues 342-362): PLIATRLVHS[Gly352Asp]PSKGSVPYDA